The following is an entry in ClinVar:

NM_001080453.3(INTS1):c.4207G>A (p.Val1403Met)

Gene: INTS1 (integrator complex subunit 1; minus strand). Cytogenetic location: 7p22.3.
Variant type: single nucleotide variant.
Coding change: c.4207G>A on transcript NM_001080453.3 (MANE Select); coding-DNA position 4207, G replaced by A.
Protein change: p.Val1403Met; replaces valine 1403 with methionine.
Molecular consequence: missense variant.
Genome position (GRCh38, 1-based): chr7:1,479,552, C>T on the plus strand (G>A on the coding strand, the complement: INTS1 is on the minus strand). VCF-style: chr7-1479552-C-T. GRCh37 (hg19) VCF-style: chr7-1519188-C-T.
Other names: c.724G>A, p.Val242Met (NM_015674.1); short protein forms V1403M, V242M.
Identifiers: ClinVar variation 2657192 (VCV002657192.25), dbSNP rs191952781, ClinGen allele CA4118942.

ClinVar aggregate classification (germline): Benign/Likely benign. Review status: criteria provided, multiple submitters, no conflicts (2 of 4 stars). 2 submissions from 2 submitters: Benign (1); Likely benign (1). Last evaluated 2026-01-01.

Allele frequency attached by ClinVar (database versions not stated): ESP Exome Variant Server 0.00040; 1000 Genomes Project 0.00160; 1000 Genomes Project 30x 0.00234; ExAC 0.00253.
gnomAD v4.1: 1,399 of 1,554,284 alleles (0.09%); highest among the groups gnomAD compares: Middle Eastern, 0.87%; 18 homozygotes.

Submissions (2):

CeGaT Center for Human Genetics Tuebingen
Classification: Benign. Last evaluated: 2026-01-01. Review status: criteria provided, single submitter. Criteria: CeGaT Center For Human Genetics Tuebingen Variant Classification Criteria Version 2. Collection method: clinical testing. Allele origin: germline. Affected: yes. Observed: 6 variant alleles.
Comment: INTS1: BP4, BS1, BS2

Blueprint Genetics
Classification: Likely benign. Last evaluated: 2024-10-09. Review status: criteria provided, single submitter. Criteria: ACMG Guidelines, 2015. Collection method: clinical testing. Allele origin: germline.